The following is an entry in ClinVar:

NM_053025.4(MYLK):c.3808A>T (p.Thr1270Ser)

Gene: MYLK (myosin light chain kinase; minus strand). Cytogenetic location: 3q21.1.
Variant type: single nucleotide variant.
Coding change: c.3808A>T on transcript NM_053025.4 (MANE Select); coding-DNA position 3808, A replaced by T.
Protein change: p.Thr1270Ser; replaces threonine 1270 with serine.
Molecular consequence: missense variant.
Genome position (GRCh38, 1-based): chr3:123,666,242, T>A on the plus strand (A>T on the coding strand, the complement: MYLK is on the minus strand). VCF-style: chr3-123666242-T-A. GRCh37 (hg19) VCF-style: chr3-123385089-T-A.
Other names: c.3280A>T, p.Thr1094Ser (NM_001321309.2); c.3601A>T, p.Thr1201Ser (NM_053026.4, NM_053028.4); c.3808A>T, p.Thr1270Ser (NM_053027.4); short protein forms T1094S, T1201S, T1270S.
Identifiers: ClinVar variation 2740033 (VCV002740033.3), dbSNP rs2059730206, ClinGen allele CA354230314.

ClinVar aggregate classification (germline): Uncertain significance (1 of 4 stars; one submission).

Conditions:
Aortic aneurysm, familial thoracic 7 (AAT7). Also called: AORTIC DISSECTION, FAMILIAL, WITH OR WITHOUT AORTIC ANEURYSM. Identifiers: MedGen C3151077, MONDO:0013418, OMIM 613780.

Allele frequency attached by ClinVar (database versions not stated): TOPMed below 0.00001; gnomAD 0.00001.
gnomAD v4.1: 3 of 1,614,066 alleles (0.00019%); highest among the groups gnomAD compares: Non-Finnish European, 0.00025%; no homozygotes.

Submission:

Labcorp Genetics (formerly Invitae), Labcorp
Classification: Uncertain significance for Aortic aneurysm, familial thoracic 7. Last evaluated: 2023-06-14. Review status: criteria provided, single submitter. Criteria: Invitae Variant Classification Sherloc (09022015). Collection method: clinical testing. Allele origin: germline.
Comment: In summary, the available evidence is currently insufficient to determine the role of this variant in disease. Therefore, it has been classified as a Variant of Uncertain Significance. Advanced modeling of protein sequence and biophysical properties (such as structural, functional, and spatial information, amino acid conservation, physicochemical variation, residue mobility, and thermodynamic stability) performed at Invitae indicates that this missense variant is not expected to disrupt MYLK protein function. This variant has not been reported in the literature in individuals affected with MYLK-related conditions. This variant is not present in population databases (gnomAD no frequency). This sequence change replaces threonine, which is neutral and polar, with serine, which is neutral and polar, at codon 1270 of the MYLK protein (p.Thr1270Ser).